The following is an entry in ClinVar:

ClinVar aggregate classification (germline): Likely pathogenic (1 of 4 stars; one submission).

Conditions:
Spondyloepimetaphyseal dysplasia, aggrecan type. Also called: SEMD, AGGRECAN TYPE. Identifiers: Orphanet 171866, MedGen C2748544, MONDO:0013014, OMIM 612813.
Short stature and advanced bone age, with or without early-onset osteoarthritis and/or osteochondritis dissecans (SSOAOD). Identifiers: Orphanet 251262, MedGen C3665488, MONDO:0100462, OMIM 165800.
Spondyloepiphyseal dysplasia, Kimberley type. Identifiers: Orphanet 93283, MedGen C1842149, MONDO:0012019, OMIM 608361.

Submission:

Juno Genomics, Hangzhou Juno Genomics, Inc
Classification: Likely pathogenic for Spondyloepiphyseal dysplasia, Kimberley type; Short stature and advanced bone age, with or without early-onset osteoarthritis and/or osteochondritis dissecans; Spondyloepimetaphyseal dysplasia, aggrecan type. Review status: criteria provided, single submitter. Criteria: ACMG Guidelines, 2015. Collection method: clinical testing. Allele origin: germline.
Comment: Absent from controls (or at extremely low frequency if recessive) in Genome Aggregation Database.;Null variant in a gene where loss of function (LOF) is a known mechanism of disease.

NM_001369268.1(ACAN):c.6567dup (p.Thr2190fs)

Gene: ACAN (aggrecan; plus strand). Cytogenetic location: 15q26.1.
Variant type: Duplication.
Coding change: c.6567dup on transcript NM_001369268.1 (MANE Select); coding-DNA position 6567, one base duplicated (C; older notation c.6567dupC).
Protein change: p.Thr2190fs; shifts the reading frame from threonine 2190.
Molecular consequence: frameshift variant.
Genome position (GRCh38, 1-based): chr15:88,859,152, C duplicated; the last of 3 consecutive C bases (chr15:88,859,150-88,859,152); duplicating any one gives the same sequence. VCF-style (leftmost placement, unchanged base first): chr15-88859149-T-TC. GRCh37 (hg19) VCF-style: chr15-89402380-T-TC.
Other names: c.6567dup, p.Thr2190fs (NM_001135.4, NM_001411096.1, NM_001411097.1 and 1 more transcripts); short protein forms T2190fs.
Identifiers: ClinVar variation 5019338 (VCV005019338.2).
Genomic context (GRCh38, chr15:88,859,149, plus strand): 5'-TGGAGAATCCACCACCACCAGTGATGTGGGGACAGAGGCACCAGGCTTGCCTTCAGCCAC[T>TC]CCCACGGCTTCTGGAGACAGGACTGAAATCAGCGGAGACCTGTCTGGTCACACCTCGCAG-3'